The following is an entry in ClinVar:

ClinVar aggregate classification (germline): Uncertain significance (1 of 4 stars; one submission).

Allele frequency attached by ClinVar (database versions not stated): TOPMed below 0.00001; gnomAD 0.00001.
gnomAD v4.1: 12 of 1,613,864 alleles (0.00074%); highest among the groups gnomAD compares: African/African-American, 0.0013%; no homozygotes.

Submission:

Labcorp Genetics (formerly Invitae), Labcorp
Classification: Uncertain significance. Last evaluated: 2025-01-15. Review status: criteria provided, single submitter. Criteria: Invitae Variant Classification Sherloc (09022015). Collection method: clinical testing. Allele origin: germline.
Comment: This sequence change replaces arginine, which is basic and polar, with glutamine, which is neutral and polar, at codon 197 of the RHOBTB2 protein (p.Arg197Gln). This variant is not present in population databases (gnomAD no frequency). This variant has not been reported in the literature in individuals affected with RHOBTB2-related conditions. ClinVar contains an entry for this variant (Variation ID: 2776676). Invitae Evidence Modeling of protein sequence and biophysical properties (such as structural, functional, and spatial information, amino acid conservation, physicochemical variation, residue mobility, and thermodynamic stability) indicates that this missense variant is not expected to disrupt RHOBTB2 protein function with a negative predictive value of 80%. In summary, the available evidence is currently insufficient to determine the role of this variant in disease. Therefore, it has been classified as a Variant of Uncertain Significance.

NM_015178.3(RHOBTB2):c.524G>A (p.Arg175Gln)

Gene: RHOBTB2 (Rho related BTB domain containing 2; plus strand). Cytogenetic location: 8p21.3.
Variant type: single nucleotide variant.
Coding change: c.524G>A on transcript NM_015178.3 (MANE Select); coding-DNA position 524, G replaced by A.
Protein change: p.Arg175Gln; replaces arginine 175 with glutamine.
Molecular consequence: missense variant.
Genome position (GRCh38, 1-based): chr8:23,006,769, G>A. VCF-style: chr8-23006769-G-A. GRCh37 (hg19) VCF-style: chr8-22864282-G-A.
Other names: c.590G>A, p.Arg197Gln (NM_001160036.2); c.545G>A, p.Arg182Gln (NM_001160037.2); c.524G>A, p.Arg175Gln (NM_001374791.1); short protein forms R182Q, R175Q, R197Q.
Identifiers: ClinVar variation 2776676 (VCV002776676.3), dbSNP rs866619842, ClinGen allele CA173876499.